The following is an entry in ClinVar:

ClinVar aggregate classification (germline): Uncertain significance. Review status: criteria provided, multiple submitters, no conflicts (2 of 4 stars). 4 submissions from 4 submitters: Uncertain significance (4). Last evaluated 2024-11-21.

Conditions:
Inborn genetic diseases. Identifiers: MedGen C0950123, MeSH D030342.

Allele frequency attached by ClinVar (database versions not stated): TOPMed 0.00002; ExAC 0.00003; ESP Exome Variant Server 0.00008; gnomAD 0.00001 and 0.00002; gnomAD exomes 0.00002.

Submissions (4):

Ambry Genetics
Classification: Uncertain significance for Inborn genetic diseases. Last evaluated: 2024-11-21. Review status: criteria provided, single submitter. Criteria: Ambry Variant Classification Scheme 2023. Collection method: clinical testing. Allele origin: germline.
Comment: The p.L190F variant (also known as c.568C>T), located in coding exon 1 of the SAMD9 gene, results from a C to T substitution at nucleotide position 568. The leucine at codon 190 is replaced by phenylalanine, an amino acid with highly similar properties. This amino acid position is conserved. In addition, this alteration is predicted to be tolerated by in silico analysis. Based on the available evidence, the clinical significance of this variant remains unclear.

Labcorp Genetics (formerly Invitae), Labcorp
Classification: Uncertain significance. Last evaluated: 2024-11-15. Review status: criteria provided, single submitter. Criteria: Invitae Variant Classification Sherloc (09022015). Collection method: clinical testing. Allele origin: germline.
Comment: This sequence change replaces leucine, which is neutral and non-polar, with phenylalanine, which is neutral and non-polar, at codon 190 of the SAMD9 protein (p.Leu190Phe). This variant is present in population databases (rs372825129, gnomAD 0.005%). This variant has not been reported in the literature in individuals affected with SAMD9-related conditions. ClinVar contains an entry for this variant (Variation ID: 1485471). An algorithm developed to predict the effect of missense changes on protein structure and function outputs the following: PolyPhen-2: "Possibly Damaging". The phenylalanine amino acid residue is found in multiple mammalian species, which suggests that this missense change does not adversely affect protein function. In summary, the available evidence is currently insufficient to determine the role of this variant in disease. Therefore, it has been classified as a Variant of Uncertain Significance.

CeGaT Center for Human Genetics Tuebingen
Classification: Uncertain significance. Last evaluated: 2023-10-01. Review status: criteria provided, single submitter. Criteria: CeGaT Center For Human Genetics Tuebingen Variant Classification Criteria Version 2. Collection method: clinical testing. Allele origin: germline. Affected: yes. Observed: 1 variant allele.
Comment: SAMD9: PM2, BP4

Institute for Clinical Genetics, University Hospital TU Dresden, University Hospital TU Dresden
Classification: Uncertain significance. Last evaluated: 2022-07-28. Review status: criteria provided, single submitter. Criteria: ACMG Guidelines, 2015. Collection method: clinical testing. Allele origin: germline.
Comment: PM2_SUP

NM_017654.4(SAMD9):c.568C>T (p.Leu190Phe)

Gene: SAMD9 (sterile alpha motif domain containing 9; minus strand). Cytogenetic location: 7q21.2.
Variant type: single nucleotide variant.
Coding change: c.568C>T on transcript NM_017654.4 (MANE Select); coding-DNA position 568, C replaced by T.
Protein change: p.Leu190Phe; replaces leucine 190 with phenylalanine.
Molecular consequence: missense variant.
Genome position (GRCh38, 1-based): chr7:93,105,530, G>A on the plus strand (C>T on the coding strand, the complement: SAMD9 is on the minus strand). VCF-style: chr7-93105530-G-A. GRCh37 (hg19) VCF-style: chr7-92734843-G-A.
Other names: c.568C>T (NM_017654.3); c.568C>T, p.Leu190Phe (NM_001193307.2); short protein forms L190F.
Identifiers: ClinVar variation 1485471 (VCV001485471.30), dbSNP rs372825129, ClinGen allele CA4343117.
Genomic context (GRCh38, chr7:93,105,530, plus strand): 5'-CCTCTTCTGTGGCTGTTGCTGTATTTGTGAAGGCTTTGAATTCATGTATCGGATCAATGA[G>A]ATTGCCTGGTCCTGTTTCAGGCTGTAGACTAAAATCCAACTTGTAACGATATGGATTACT-3'
Protein context (NP_060124.2, residues 180-200): SLQPETGPGN[Leu190Phe]IDPIHEFKAF